The following is an entry in ClinVar:

ClinVar aggregate classification (germline): Benign/Likely benign. Review status: criteria provided, multiple submitters, no conflicts (2 of 4 stars). 2 submissions from 2 submitters: Benign (1); Likely benign (1). Last evaluated 2024-10-16.

Conditions:
Hereditary diffuse leukoencephalopathy with spheroids. Also called: LEUKOENCEPHALOPATHY, ADULT-ONSET, WITH AXONAL SPHEROIDS AND PIGMENTED GLIA. Identifiers: Orphanet 313808, MedGen C3711381, MONDO:0030796.

Allele frequency attached by ClinVar (database versions not stated): gnomAD exomes 0.00012 and 0.00003; 1000 Genomes Project 0.00040; 1000 Genomes Project 30x 0.00047; gnomAD 0.00004 and 0.00005; TOPMed 0.00005; ExAC 0.00010.
gnomAD v4.1: 52 of 1,611,718 alleles (0.0032%); highest among the groups gnomAD compares: East Asian, 0.1%; no homozygotes.

Submissions (2):

Labcorp Genetics (formerly Invitae), Labcorp
Classification: Likely benign. Last evaluated: 2024-10-16. Review status: criteria provided, single submitter. Criteria: Invitae Variant Classification Sherloc (09022015). Collection method: clinical testing. Allele origin: germline.

Illumina Laboratory Services, Illumina
Classification: Benign for Leukoencephalopathy, diffuse hereditary, with spheroids 1. Last evaluated: 2018-01-13. Review status: criteria provided, single submitter. Criteria: ICSL Variant Classification Criteria 13 December 2019. Collection method: clinical testing. Allele origin: germline.
Comment: This variant was observed in the ICSL laboratory as part of a predisposition screen in an ostensibly healthy population. It had not been previously curated by ICSL or reported in the Human Gene Mutation Database (HGMD: prior to June 1st, 2018), and was therefore a candidate for classification through an automated scoring system. Utilizing variant allele frequency, disease prevalence and penetrance estimates, and inheritance mode, an automated score was calculated to assess if this variant is too frequent to cause the disease. Based on the score and internal cut-off values, a variant classified as benign is not then subjected to further curation. The score for this variant resulted in a classification of benign for this disease.

NM_001288705.3(CSF1R):c.1606C>G (p.Leu536Val)

Gene: CSF1R (colony stimulating factor 1 receptor; minus strand). Cytogenetic location: 5q32.
Variant type: single nucleotide variant.
Coding change: c.1606C>G on transcript NM_001288705.3 (MANE Select); coding-DNA position 1606, C replaced by G.
Protein change: p.Leu536Val; replaces leucine 536 with valine.
Molecular consequence: missense variant. On other transcripts: non-coding transcript variant (2).
Genome position (GRCh38, 1-based): chr5:150,068,235, G>C on the plus strand (C>G on the coding strand, the complement: CSF1R is on the minus strand). VCF-style: chr5-150068235-G-C. GRCh37 (hg19) VCF-style: chr5-149447798-G-C.
Other names: c.1606C>G, p.Leu536Val (NM_001349736.2, NM_001375320.1, NM_005211.4); c.1162C>G, p.Leu388Val (NM_001375321.1); short protein forms L536V, L388V.
Identifiers: ClinVar variation 352149 (VCV000352149.13), dbSNP rs55942044, ClinGen allele CA3506773.